The following is an entry in ClinVar:

NM_017739.4(POMGNT1):c.328G>T (p.Val110Leu)

Gene: POMGNT1 (protein O-linked mannose N-acetylglucosaminyltransferase 1 (beta 1,2-); minus strand). Cytogenetic location: 1p34.1.
Variant type: single nucleotide variant.
Coding change: c.328G>T on transcript NM_017739.4 (MANE Select); coding-DNA position 328, G replaced by T.
Protein change: p.Val110Leu; replaces valine 110 with leucine.
Molecular consequence: missense variant. On other transcripts: 5 prime UTR variant (1).
Genome position (GRCh38, 1-based): chr1:46,196,757, C>A on the plus strand (G>T on the coding strand, the complement: POMGNT1 is on the minus strand). VCF-style: chr1-46196757-C-A. GRCh37 (hg19) VCF-style: chr1-46662429-C-A.
Other names: c.328G>T, p.Val110Leu (NM_001243766.2, NM_001410783.1); c.262G>T, p.Val88Leu (NM_001290129.3); c.-102G>T (NM_001290130.2); c.328G>T (NM_017739.3); short protein forms V110L, V88L.
Identifiers: ClinVar variation 1404180 (VCV001404180.4), dbSNP rs762760509, ClinGen allele CA340191579.

ClinVar aggregate classification (germline): Uncertain significance. Review status: criteria provided, multiple submitters, no conflicts (2 of 4 stars). 2 submissions from 2 submitters: Uncertain significance (2). Last evaluated 2025-07-03.

Conditions:
Inborn genetic diseases. Identifiers: MedGen C0950123, MeSH D030342.
Autosomal recessive limb-girdle muscular dystrophy type 2O. Also called: Limb-Girdle Muscular Dystrophy Type 3C; MUSCULAR DYSTROPHY-DYSTROGLYCANOPATHY (LIMB-GIRDLE), TYPE C, 3; MUSCULAR DYSTROPHY-DYSTROGLYCANOPATHY, LIMB-GIRDLE, POMGNT1-RELATED. Identifiers: Orphanet 206564, MedGen C3150417, MONDO:0013161, OMIM 613157.
Muscular dystrophy-dystroglycanopathy (congenital with impaired intellectual development), type B, 3. Also called: MUSCULAR DYSTROPHY, CONGENITAL, POMGNT1-RELATED; Muscular dystrophy-dystroglycanopathy (congenital with intellectual disability), type B3. Identifiers: MedGen C3150412, MONDO:0013155, OMIM 613151.

Submissions (2):

Ambry Genetics
Classification: Uncertain significance for Inborn genetic diseases. Last evaluated: 2025-07-03. Review status: criteria provided, single submitter. Criteria: Ambry Variant Classification Scheme 2023. Collection method: clinical testing. Allele origin: germline.

Labcorp Genetics (formerly Invitae), Labcorp
Classification: Uncertain significance for Autosomal recessive limb-girdle muscular dystrophy type 2O; Muscular dystrophy-dystroglycanopathy (congenital with impaired intellectual development), type B, 3. Last evaluated: 2022-07-19. Review status: criteria provided, single submitter. Criteria: Invitae Variant Classification Sherloc (09022015). Collection method: clinical testing. Allele origin: germline.
Comment: This sequence change replaces valine, which is neutral and non-polar, with leucine, which is neutral and non-polar, at codon 110 of the POMGNT1 protein (p.Val110Leu). This variant is not present in population databases (gnomAD no frequency). This variant has not been reported in the literature in individuals affected with POMGNT1-related conditions. ClinVar contains an entry for this variant (Variation ID: 1404180). Advanced modeling of protein sequence and biophysical properties (such as structural, functional, and spatial information, amino acid conservation, physicochemical variation, residue mobility, and thermodynamic stability) performed at Invitae indicates that this missense variant is not expected to disrupt POMGNT1 protein function. In summary, the available evidence is currently insufficient to determine the role of this variant in disease. Therefore, it has been classified as a Variant of Uncertain Significance.